The following is an entry in ClinVar:

NM_181712.5(KANK4):c.1145A>G (p.Gln382Arg)

Gene: KANK4 (KN motif and ankyrin repeat domains 4; minus strand). Cytogenetic location: 1p31.3.
Variant type: single nucleotide variant.
Coding change: c.1145A>G on transcript NM_181712.5 (MANE Select); coding-DNA position 1145, A replaced by G.
Protein change: p.Gln382Arg; replaces glutamine 382 with arginine.
Molecular consequence: missense variant. On other transcripts: intron variant (1).
Genome position (GRCh38, 1-based): chr1:62,273,959, T>C on the plus strand (A>G on the coding strand, the complement: KANK4 is on the minus strand). VCF-style: chr1-62273959-T-C. GRCh37 (hg19) VCF-style: chr1-62739631-T-C.
Other names: c.17-2370A>G (NM_001320269.2); short protein forms Q382R.
Identifiers: ClinVar variation 2020353 (VCV002020353.4), dbSNP rs2522868919, ClinGen allele CA340616205.

ClinVar aggregate classification (germline): Uncertain significance (1 of 4 stars; one submission).

Submission:

Labcorp Genetics (formerly Invitae), Labcorp
Classification: Uncertain significance. Last evaluated: 2022-09-22. Review status: criteria provided, single submitter. Criteria: Invitae Variant Classification Sherloc (09022015). Collection method: clinical testing. Allele origin: germline.
Comment: This variant has not been reported in the literature in individuals affected with KANK4-related conditions. Algorithms developed to predict the effect of missense changes on protein structure and function output the following: SIFT: "Tolerated"; PolyPhen-2: "Benign"; Align-GVGD: "Class C0". The arginine amino acid residue is found in multiple mammalian species, which suggests that this missense change does not adversely affect protein function. In summary, the available evidence is currently insufficient to determine the role of this variant in disease. Therefore, it has been classified as a Variant of Uncertain Significance. This variant is not present in population databases (gnomAD no frequency). This sequence change replaces glutamine, which is neutral and polar, with arginine, which is basic and polar, at codon 382 of the KANK4 protein (p.Gln382Arg).